The following is an entry in ClinVar:

ClinVar aggregate classification (germline): Benign. Review status: criteria provided, multiple submitters, no conflicts (2 of 4 stars). 2 submissions from 2 submitters: Benign (2). Last evaluated 2018-06-14.

Allele frequency attached by ClinVar (database versions not stated): gnomAD exomes 0.09445; gnomAD 0.10550 and 0.10921; TOPMed 0.10748; 1000 Genomes Project 30x 0.15428; 1000 Genomes Project 0.15635.
gnomAD v4.1: 58,994 of 602,278 alleles (9.8%); highest among the groups gnomAD compares: East Asian, 23%; 4,023 homozygotes.

Submissions (2):

GeneDx
Classification: Benign. Last evaluated: 2018-06-14. Review status: criteria provided, single submitter. Criteria: GeneDx Variant Classification (06012015). Collection method: clinical testing. Allele origin: germline. Affected: yes.
Comment: This variant is considered likely benign or benign based on one or more of the following criteria: it is a conservative change, it occurs at a poorly conserved position in the protein, it is predicted to be benign by multiple in silico algorithms, and/or has population frequency not consistent with disease.

Breakthrough Genomics
Classification: Benign. Review status: criteria provided, single submitter. Criteria: ACMG Guidelines, 2015. Collection method: not provided. Allele origin: germline. Inheritance: Autosomal recessive inheritance. Affected: yes.

NM_005506.4(SCARB2):c.704+254G>A

Gene: SCARB2 (scavenger receptor class B member 2; minus strand). Cytogenetic location: 4q21.1.
Variant type: single nucleotide variant.
Coding change: c.704+254G>A on transcript NM_005506.4 (MANE Select); 254 bases into the intron after coding-DNA position 704, G replaced by A.
Molecular consequence: intron variant.
Genome position (GRCh38, 1-based): chr4:76,176,183, C>T on the plus strand (G>A on the coding strand, the complement: SCARB2 is on the minus strand). VCF-style: chr4-76176183-C-T. GRCh37 (hg19) VCF-style: chr4-77097336-C-T.
Other names: c.276-273G>A (NM_001204255.2).
Identifiers: ClinVar variation 669877 (VCV000669877.2), dbSNP rs2053487, ClinGen allele CA99890857.
Genomic context (GRCh38, chr4:76,176,183, plus strand): 5'-AAACATGTGGTGGTTTGAAAAGTATTTGTGCTGTAGCTACTACACATCACTCAATGACTA[C>T]TAAGCAAGAGTGGGACTTTTCACTGGCCTGTAATTCATGCCTGGCCATGATAAATCTACA-3'